The following is an entry in ClinVar:

NM_000059.4(BRCA2):c.2778C>T (p.Thr926=)

Gene: BRCA2 (BRCA2 DNA repair associated; plus strand). Cytogenetic location: 13q13.1.
Variant type: single nucleotide variant.
Coding change: c.2778C>T on transcript NM_000059.4 (MANE Select); coding-DNA position 2778, C replaced by T.
Protein change: p.Thr926=; no amino-acid change (threonine 926 retained).
Molecular consequence: synonymous variant.
Genome position (GRCh38, 1-based): chr13:32,337,133, C>T. VCF-style: chr13-32337133-C-T. GRCh37 (hg19) VCF-style: chr13-32911270-C-T.
Identifiers: ClinVar variation 1103725 (VCV001103725.14), dbSNP rs2137489808, ClinGen allele CA483437398.

ClinVar aggregate classification (germline): Likely benign. Review status: criteria provided, multiple submitters, no conflicts (2 of 4 stars). 4 submissions from 4 submitters: Likely benign (4). Last evaluated 2026-09-01.

Conditions:
Hereditary breast ovarian cancer syndrome. Also called: Hereditary breast and/or ovarian cancer syndrome; Breast and ovarian cancer; BRCA1- and BRCA2-Associated Hereditary Breast and Ovarian Cancer; Hereditary breast and ovarian cancer; Hereditary breast and ovarian cancer syndrome (HBOC); Hereditary breast and ovarian cancer syndrome. Identifiers: Orphanet 145, MedGen C0677776, MeSH D061325, MONDO:0003582. Disease mechanism: loss of function.
Hereditary cancer-predisposing syndrome. Also called: Neoplastic Syndromes, Hereditary; Hereditary neoplastic syndrome; Tumor predisposition; Hereditary Cancer Syndrome. Identifiers: Orphanet 140162, MedGen C0027672, MeSH D009386, MONDO:0015356.

Submissions (4):

CeGaT Center for Human Genetics Tuebingen
Classification: Likely benign. Last evaluated: 2026-09-01. Review status: criteria provided, single submitter. Criteria: CeGaT Center For Human Genetics Tuebingen Variant Classification Criteria Version 2. Collection method: clinical testing. Allele origin: germline. Affected: yes. Observed: 1 variant allele.
Comment: BRCA2: PM2:Supporting, BP4, BP7

Color Diagnostics, LLC DBA Color Health
Classification: Likely benign for Hereditary cancer-predisposing syndrome. Last evaluated: 2023-12-11. Review status: criteria provided, single submitter. Criteria: ACMG Guidelines, 2015. Collection method: clinical testing. Allele origin: germline.

Ambry Genetics
Classification: Likely benign for Hereditary cancer-predisposing syndrome. Last evaluated: 2022-04-11. Review status: criteria provided, single submitter. Criteria: Ambry Variant Classification Scheme 2023. Collection method: clinical testing. Allele origin: germline.

Labcorp Genetics (formerly Invitae), Labcorp
Classification: Likely benign for Hereditary breast ovarian cancer syndrome. Last evaluated: 2019-05-14. Review status: criteria provided, single submitter. Criteria: Invitae Variant Classification Sherloc (09022015). Collection method: clinical testing. Allele origin: germline.